The following is an entry in ClinVar:

NM_004415.4(DSP):c.6258A>G (p.Ile2086Met)

Gene: DSP (desmoplakin; plus strand). Cytogenetic location: 6p24.3.
Variant type: single nucleotide variant.
Coding change: c.6258A>G on transcript NM_004415.4 (MANE Select); coding-DNA position 6258, A replaced by G.
Protein change: p.Ile2086Met; replaces isoleucine 2086 with methionine.
Molecular consequence: missense variant.
Genome position (GRCh38, 1-based): chr6:7,583,520, A>G. VCF-style: chr6-7583520-A-G. GRCh37 (hg19) VCF-style: chr6-7583753-A-G.
Other names: c.4929A>G, p.Ile1643Met (NM_001319034.2); c.4461A>G, p.Ile1487Met (NM_001008844.3); short protein forms I1487M, I1643M, I2086M.
Identifiers: ClinVar variation 1752464 (VCV001752464.2), dbSNP rs1759521996, ClinGen allele CA362690416.

ClinVar aggregate classification (germline): Uncertain significance (1 of 4 stars; one submission).

Conditions:
Cardiovascular phenotype. Identifiers: MedGen CN230736.

Allele frequency attached by ClinVar (database versions not stated): TOPMed below 0.00001; gnomAD 0.00001.
gnomAD v4.1: 1 of 1,614,094 alleles (0.000062%); highest among the groups gnomAD compares: Non-Finnish European, 0.000085%; no homozygotes.

Submission:

Ambry Genetics
Classification: Uncertain significance for Cardiovascular phenotype. Last evaluated: 2022-04-29. Review status: criteria provided, single submitter. Criteria: Ambry Variant Classification Scheme 2023. Collection method: clinical testing. Allele origin: germline.
Comment: The p.I2086M variant (also known as c.6258A>G), located in coding exon 24 of the DSP gene, results from an A to G substitution at nucleotide position 6258. The isoleucine at codon 2086 is replaced by methionine, an amino acid with highly similar properties. This amino acid position is conserved. In addition, this alteration is predicted to be tolerated by in silico analysis. Since supporting evidence is limited at this time, the clinical significance of this alteration remains unclear.